The following is an entry in ClinVar:

ClinVar aggregate classification (germline): Likely pathogenic. Review status: criteria provided, multiple submitters, no conflicts (2 of 4 stars). 2 submissions from 2 submitters: Likely pathogenic (2). Last evaluated 2025-02-17.

Conditions:
C7-related disorder. Also called: C7-related condition.

Allele frequency attached by ClinVar (database versions not stated): gnomAD 0.00001; gnomAD exomes 0.00001; TOPMed 0.00002.
gnomAD v4.1: 12 of 1,612,914 alleles (0.00074%); highest among the groups gnomAD compares: Non-Finnish European, 0.00093%; no homozygotes.

Submissions (2):

Labcorp Genetics (formerly Invitae), Labcorp
Classification: Likely pathogenic. Last evaluated: 2025-02-17. Review status: criteria provided, single submitter. Criteria: Invitae Variant Classification Sherloc (09022015). Collection method: clinical testing. Allele origin: germline.
Comment: This sequence change affects an acceptor splice site in intron 7 of the C7 gene. It is expected to disrupt RNA splicing. Variants that disrupt the donor or acceptor splice site typically lead to a loss of protein function (PMID: 16199547), and loss-of-function variants in C7 are known to be pathogenic (PMID: 9856499, 17407100). This variant is present in population databases (no rsID available, gnomAD 0.004%). This variant has not been reported in the literature in individuals affected with C7-related conditions. ClinVar contains an entry for this variant (Variation ID: 3019324). Algorithms developed to predict the effect of sequence changes on RNA splicing suggest that this variant may disrupt the consensus splice site. In summary, the currently available evidence indicates that the variant is pathogenic, but additional data are needed to prove that conclusively. Therefore, this variant has been classified as Likely Pathogenic.

PreventionGenetics, part of Exact Sciences
Classification: Likely pathogenic for C7-related condition. Last evaluated: 2025-01-15. Review status: criteria provided, single submitter. Criteria: ACMG Guidelines, 2015. Collection method: clinical testing. Allele origin: germline.
Comment: The C7 c.739-1G>A variant is predicted to disrupt the AG splice acceptor site and interfere with normal splicing. To our knowledge, this variant has not been reported in the literature. This variant is reported in 0.0036% of alleles in individuals of European (non-Finnish) descent in gnomAD. Variants that disrupt the consensus splice acceptor site in C7 are expected to be pathogenic. This variant is interpreted as likely pathogenic.

Literature cited by the submitters: PubMed 16199547 (cited by Labcorp Genetics (formerly Invitae), Labcorp); PubMed 9856499 (cited by Labcorp Genetics (formerly Invitae), Labcorp); PubMed 17407100 (cited by Labcorp Genetics (formerly Invitae), Labcorp).

NM_000587.4(C7):c.739-1G>A

Gene: C7 (complement C7; plus strand). Cytogenetic location: 5p13.1.
Variant type: single nucleotide variant.
Coding change: c.739-1G>A on transcript NM_000587.4 (MANE Select); the canonical splice acceptor site of the intron before coding-DNA position 739, G replaced by A.
Molecular consequence: splice acceptor variant.
Genome position (GRCh38, 1-based): chr5:40,947,601, G>A. VCF-style: chr5-40947601-G-A. GRCh37 (hg19) VCF-style: chr5-40947703-G-A.
Other names: c.739-1G>A (NM_000587.3).
Identifiers: ClinVar variation 3019324 (VCV003019324.4), dbSNP rs1041036020, ClinGen allele CA117213708.
Genomic context (GRCh38, chr5:40,947,601, plus strand): 5'-TATTTCCATTGCCTTTTTATCTTCCACCTAAAACTCCTTGTACTCTTTCTTCTTTCCACA[G>A]AGTTACCAACTGCTGGTTGTTGAGAACACTGTTGAAGTGGCTCAGTTCATTAATAACAAT-3'